The following is an entry in ClinVar:

ClinVar aggregate classification (germline): Uncertain significance (1 of 4 stars; one submission).

Allele frequency attached by ClinVar (database versions not stated): gnomAD exomes below 0.00001.
gnomAD v4.1: 1 of 1,539,522 alleles (0.000065%); highest among the groups gnomAD compares: Non-Finnish European, 0.00009%; no homozygotes.

Submission:

Labcorp Genetics (formerly Invitae), Labcorp
Classification: Uncertain significance. Last evaluated: 2023-03-03. Review status: criteria provided, single submitter. Criteria: Invitae Variant Classification Sherloc (09022015). Collection method: clinical testing. Allele origin: germline.
Comment: In summary, the available evidence is currently insufficient to determine the role of this variant in disease. Therefore, it has been classified as a Variant of Uncertain Significance. Algorithms developed to predict the effect of sequence changes on RNA splicing suggest that this variant may create or strengthen a splice site. This variant has not been reported in the literature in individuals affected with FGF12-related conditions. This variant is not present in population databases (gnomAD no frequency). This sequence change falls in intron 2 of the FGF12 gene. It does not directly change the encoded amino acid sequence of the FGF12 protein.

NM_004113.6(FGF12):c.124+10A>G

Gene: FGF12 (fibroblast growth factor 12; minus strand). Cytogenetic location: 3q28.
Variant type: single nucleotide variant.
Coding change: c.124+10A>G on transcript NM_004113.6 (MANE Select); 10 bases into the intron after coding-DNA position 124, A replaced by G.
Molecular consequence: intron variant.
Genome position (GRCh38, 1-based): chr3:192,360,418, T>C on the plus strand (A>G on the coding strand, the complement: FGF12 is on the minus strand). VCF-style: chr3-192360418-T-C. GRCh37 (hg19) VCF-style: chr3-192078207-T-C.
Other names: c.52+10A>G (NM_001377293.1, NM_001377294.1); c.14-24954A>G (NM_001377292.1); c.310+10A>G (NM_021032.5).
Identifiers: ClinVar variation 2790432 (VCV002790432.3), dbSNP rs2474384769, ClinGen allele CA2577992485.